The following is an entry in ClinVar:

NM_000081.4(LYST):c.5456C>T (p.Ala1819Val)

Gene: LYST (lysosomal trafficking regulator; minus strand). Cytogenetic location: 1q42.3.
Variant type: single nucleotide variant.
Coding change: c.5456C>T on transcript NM_000081.4 (MANE Select); coding-DNA position 5456, C replaced by T.
Protein change: p.Ala1819Val; replaces alanine 1819 with valine.
Molecular consequence: missense variant.
Genome position (GRCh38, 1-based): chr1:235,777,067, G>A on the plus strand (C>T on the coding strand, the complement: LYST is on the minus strand). VCF-style: chr1-235777067-G-A. GRCh37 (hg19) VCF-style: chr1-235940367-G-A.
Other names: c.5456C>T (NM_000081.2); c.5456C>T, p.Ala1819Val (NM_001301365.1); short protein forms A1819V.
Identifiers: ClinVar variation 1469541 (VCV001469541.6), dbSNP rs529004618, ClinGen allele CA1466629.

ClinVar aggregate classification (germline): Uncertain significance. Review status: criteria provided, multiple submitters, no conflicts (2 of 4 stars). 2 submissions from 2 submitters: Uncertain significance (2). Last evaluated 2022-04-11.

Conditions:
Chédiak-Higashi syndrome (CHS). Also called: Chediak-Higashi Syndrome. Identifiers: Orphanet 167, MedGen C0007965, MONDO:0008963, OMIM 214500.
Inborn genetic diseases. Identifiers: MedGen C0950123, MeSH D030342.

Allele frequency attached by ClinVar (database versions not stated): ExAC 0.00001; gnomAD exomes 0.00001; TOPMed 0.00003; gnomAD 0.00005; 1000 Genomes Project 30x 0.00016; 1000 Genomes Project 0.00020.
gnomAD v4.1: 16 of 1,612,904 alleles (0.00099%); highest among the groups gnomAD compares: African/African-American, 0.021%; no homozygotes.

Submissions (2):

Labcorp Genetics (formerly Invitae), Labcorp
Classification: Uncertain significance for Chédiak-Higashi syndrome. Last evaluated: 2022-04-11. Review status: criteria provided, single submitter. Criteria: Invitae Variant Classification Sherloc (09022015). Collection method: clinical testing. Allele origin: germline.
Comment: This sequence change replaces alanine, which is neutral and non-polar, with valine, which is neutral and non-polar, at codon 1819 of the LYST protein (p.Ala1819Val). This variant is present in population databases (rs529004618, gnomAD 0.02%). This variant has not been reported in the literature in individuals affected with LYST-related conditions. Algorithms developed to predict the effect of missense changes on protein structure and function are either unavailable or do not agree on the potential impact of this missense change (SIFT: "Deleterious"; PolyPhen-2: "Possibly Damaging"; Align-GVGD: "Class C0"). In summary, the available evidence is currently insufficient to determine the role of this variant in disease. Therefore, it has been classified as a Variant of Uncertain Significance.

Ambry Genetics
Classification: Uncertain significance for Inborn genetic diseases. Last evaluated: 2021-06-03. Review status: criteria provided, single submitter. Criteria: Ambry Variant Classification Scheme 2023. Collection method: clinical testing. Allele origin: germline.